The following is an entry in ClinVar:

ClinVar aggregate classification (germline): Uncertain significance (1 of 4 stars; one submission).

Allele frequency attached by ClinVar (database versions not stated): TOPMed below 0.00001; ExAC 0.00001; gnomAD 0.00001.
gnomAD v4.1: 2 of 1,614,018 alleles (0.00012%); highest among the groups gnomAD compares: African/African-American, 0.0027%; no homozygotes.

Submission:

Ambry Genetics
Classification: Uncertain significance. Last evaluated: 2023-01-29. Review status: criteria provided, single submitter. Criteria: Ambry Variant Classification Scheme 2023. Collection method: clinical testing. Allele origin: germline.
Comment: The p.L408R variant (also known as c.1223T>G), located in coding exon 13 of the NPAT gene, results from a T to G substitution at nucleotide position 1223. The leucine at codon 408 is replaced by arginine, an amino acid with dissimilar properties. This amino acid position is conserved. In addition, this alteration is predicted to be tolerated by in silico analysis. Since supporting evidence is limited at this time, the clinical significance of this alteration remains unclear.

NM_002519.3(NPAT):c.1223T>G (p.Leu408Arg)

Gene: NPAT (nuclear protein, coactivator of histone transcription; minus strand). Cytogenetic location: 11q22.3.
Variant type: single nucleotide variant.
Coding change: c.1223T>G on transcript NM_002519.3 (MANE Select); coding-DNA position 1223, T replaced by G.
Protein change: p.Leu408Arg; replaces leucine 408 with arginine.
Molecular consequence: missense variant.
Genome position (GRCh38, 1-based): chr11:108,173,761, A>C on the plus strand (T>G on the coding strand, the complement: NPAT is on the minus strand). VCF-style: chr11-108173761-A-C. GRCh37 (hg19) VCF-style: chr11-108044488-A-C.
Other names: c.1223T>G, p.Leu408Arg (NM_001321307.1); short protein forms L408R.
Identifiers: ClinVar variation 2447473 (VCV002447473.2), dbSNP rs751979081, ClinGen allele CA6264042.